The following is an entry in ClinVar:

ClinVar aggregate classification (germline): Uncertain significance (1 of 4 stars; one submission).

Submission:

Ambry Genetics
Classification: Uncertain significance. Last evaluated: 2026-01-06. Review status: criteria provided, single submitter. Criteria: Ambry Variant Classification Scheme 2023. Collection method: clinical testing. Allele origin: germline.
Comment: The p.L10I variant (also known as c.28C>A), located in coding exon 1 of the FAM175A gene, results from a C to A substitution at nucleotide position 28. The leucine at codon 10 is replaced by isoleucine, an amino acid with highly similar properties. This amino acid position is conserved. In addition, this alteration is predicted to be tolerated by in silico analysis. Based on the available evidence, the clinical significance of this variant remains unclear.

NM_139076.3(ABRAXAS1):c.28C>A (p.Leu10Ile)

Genes: ABRAXAS1 (abraxas 1, BRCA1 A complex subunit; minus strand), LOC129992784 (ATAC-STARR-seq lymphoblastoid silent region 15542; plus strand). Cytogenetic location: 4q21.23.
Variant type: single nucleotide variant.
Coding change: c.28C>A on transcript NM_139076.3 (MANE Select); coding-DNA position 28, C replaced by A.
Protein change: p.Leu10Ile; replaces leucine 10 with isoleucine.
Molecular consequence: missense variant. On other transcripts: 5 prime UTR variant (1).
Genome position (GRCh38, 1-based): chr4:83,485,045, G>T on the plus strand (C>A on the coding strand, the complement: ABRAXAS1 is on the minus strand). VCF-style: chr4-83485045-G-T. GRCh37 (hg19) VCF-style: chr4-84406198-G-T.
Other names: c.-233C>A (NM_001345962.2); short protein forms L10I.
Identifiers: ClinVar variation 4841987 (VCV004841987.1).